The following is an entry in ClinVar:

NM_005739.4(RASGRP1):c.2041A>G (p.Ile681Val)

Gene: RASGRP1 (RAS guanyl releasing protein 1; minus strand). Cytogenetic location: 15q14.
Variant type: single nucleotide variant.
Coding change: c.2041A>G on transcript NM_005739.4 (MANE Select); coding-DNA position 2041, A replaced by G.
Protein change: p.Ile681Val; replaces isoleucine 681 with valine.
Molecular consequence: missense variant. On other transcripts: intron variant (1).
Genome position (GRCh38, 1-based): chr15:38,494,600, T>C on the plus strand (A>G on the coding strand, the complement: RASGRP1 is on the minus strand). VCF-style: chr15-38494600-T-C. GRCh37 (hg19) VCF-style: chr15-38786801-T-C.
Other names: c.1936A>G, p.Ile646Val (NM_001128602.2); c.1769-3912A>G (NM_001306086.2); short protein forms I646V, I681V.
Identifiers: ClinVar variation 2067863 (VCV002067863.4), dbSNP rs1595816731, ClinGen allele CA391662155.

ClinVar aggregate classification (germline): Uncertain significance (1 of 4 stars; one submission).

Submission:

Labcorp Genetics (formerly Invitae), Labcorp
Classification: Uncertain significance. Last evaluated: 2022-01-11. Review status: criteria provided, single submitter. Criteria: Invitae Variant Classification Sherloc (09022015). Collection method: clinical testing. Allele origin: germline.
Comment: This variant has not been reported in the literature in individuals affected with RASGRP1-related conditions. This variant is not present in population databases (gnomAD no frequency). This sequence change replaces isoleucine, which is neutral and non-polar, with valine, which is neutral and non-polar, at codon 681 of the RASGRP1 protein (p.Ile681Val). Algorithms developed to predict the effect of missense changes on protein structure and function output the following: SIFT: "Tolerated"; PolyPhen-2: "Benign"; Align-GVGD: "Class C0". The valine amino acid residue is found in multiple mammalian species, which suggests that this missense change does not adversely affect protein function. In summary, the available evidence is currently insufficient to determine the role of this variant in disease. Therefore, it has been classified as a Variant of Uncertain Significance.